The following is an entry in ClinVar:

NM_001173467.3(SP7):c.1220G>A (p.Arg407Gln)

Gene: SP7 (Sp7 transcription factor; minus strand). Cytogenetic location: 12q13.13.
Variant type: single nucleotide variant.
Coding change: c.1220G>A on transcript NM_001173467.3 (MANE Select); coding-DNA position 1220, G replaced by A.
Protein change: p.Arg407Gln; replaces arginine 407 with glutamine.
Molecular consequence: missense variant.
Genome position (GRCh38, 1-based): chr12:53,328,222, C>T on the plus strand (G>A on the coding strand, the complement: SP7 is on the minus strand). VCF-style: chr12-53328222-C-T. GRCh37 (hg19) VCF-style: chr12-53722006-C-T.
Other names: c.1166G>A, p.Arg389Gln (NM_001300837.2); c.1220G>A, p.Arg407Gln (NM_152860.2); short protein forms R389Q, R407Q.
Identifiers: ClinVar variation 1436152 (VCV001436152.7), dbSNP rs900808909, ClinGen allele CA237345681.

ClinVar aggregate classification (germline): Uncertain significance. Review status: criteria provided, multiple submitters, no conflicts (2 of 4 stars). 2 submissions from 2 submitters: Uncertain significance (2). Last evaluated 2024-02-21.

Conditions:
Osteogenesis imperfecta type 12 (OI12). Also called: OI, TYPE XII; Osteogenesis imperfecta, type XII. Identifiers: Orphanet 666, MedGen C3151433, MONDO:0013460, OMIM 613849.

Allele frequency attached by ClinVar (database versions not stated): gnomAD exomes below 0.00001; gnomAD 0.00001; TOPMed 0.00001.
gnomAD v4.1: 5 of 1,612,930 alleles (0.00031%); highest among the groups gnomAD compares: African/African-American, 0.0013%; no homozygotes.

Submissions (2):

Fulgent Genetics
Classification: Uncertain significance for Osteogenesis imperfecta type 12. Last evaluated: 2024-02-21. Review status: criteria provided, single submitter. Criteria: ACMG Guidelines, 2015. Collection method: clinical testing. Allele origin: germline.

Labcorp Genetics (formerly Invitae), Labcorp
Classification: Uncertain significance. Last evaluated: 2021-11-20. Review status: criteria provided, single submitter. Criteria: Invitae Variant Classification Sherloc (09022015). Collection method: clinical testing. Allele origin: germline.
Comment: In summary, the available evidence is currently insufficient to determine the role of this variant in disease. Therefore, it has been classified as a Variant of Uncertain Significance. Algorithms developed to predict the effect of missense changes on protein structure and function (SIFT, PolyPhen-2, Align-GVGD) all suggest that this variant is likely to be tolerated. This variant has not been reported in the literature in individuals affected with SP7-related conditions. This variant is not present in population databases (gnomAD no frequency). This sequence change replaces arginine, which is basic and polar, with glutamine, which is neutral and polar, at codon 407 of the SP7 protein (p.Arg407Gln).